The following is an entry in ClinVar:

NM_001927.4(DES):c.1324A>G (p.Thr442Ala)

Gene: DES (desmin; plus strand). Cytogenetic location: 2q35.
Variant type: single nucleotide variant.
Coding change: c.1324A>G on transcript NM_001927.4 (MANE Select); coding-DNA position 1324, A replaced by G.
Protein change: p.Thr442Ala; replaces threonine 442 with alanine.
Molecular consequence: missense variant.
Genome position (GRCh38, 1-based): chr2:219,425,698, A>G. VCF-style: chr2-219425698-A-G. GRCh37 (hg19) VCF-style: chr2-220290420-A-G.
Other names: p.T442A:ACC>GCC; c.1324A>G (LRG_380t1); short protein forms T442A.
Identifiers: ClinVar variation 201725 (VCV000201725.2), dbSNP rs794728995, ClinGen allele CA308325.
Genomic context (GRCh38, chr2:219,425,698, plus strand): 5'-GAGTGTGCGATGGACCCTGTTACAGAAACCAGCCCTGAGCAAAGGGGTTCTGAGGTCCAT[A>G]CCAAGAAGACGGTGATGATCAAGACCATCGAGACACGGGATGGGGAGGTAAGTGGTCTGT-3'
Protein context (NP_001918.3, residues 432-452): SPEQRGSEVH[Thr442Ala]KKTVMIKTIE

ClinVar aggregate classification (germline): Uncertain significance (1 of 4 stars; one submission).

Submission:

GeneDx
Classification: Uncertain significance. Last evaluated: 2016-06-01. Review status: criteria provided, single submitter. Criteria: GeneDx Variant Classification (06012015). Collection method: clinical testing. Allele origin: germline. Affected: yes.
Comment: The Thr442Ala mutation in the DES gene has not been reported previously as a disease-causing mutation or as a benign polymorphism, to our knowledge. Thr442Ala results in a non-conservative amino acid substitution of a polar Threonine with a non-polar Alanine at a position that is class conserved throughout evolution. Other mutations at this codon (Thr442Asn, Thr442Ile) and in nearby codons (Pro419Ser, Thr445Ala, Lys449Thr) have been reported in association with myopathy (Bar H et al. 2007), further supporting the functional importance of this codon and this region of the protein. Furthermore, the NHLBI ESP Exome Variant Server reports Thr442Ala was not observed in approximately 5,000 samples from individuals of European and African American backgrounds, indicating it is not a common benign variant in these populations.